The following is an entry in ClinVar:

ClinVar aggregate classification (germline): Uncertain significance (1 of 4 stars; one submission).

Conditions:
Hereditary breast ovarian cancer syndrome. Also called: Hereditary breast and ovarian cancer syndrome (HBOC); Breast and ovarian cancer; Hereditary breast and ovarian cancer; Hereditary breast and ovarian cancer syndrome; BRCA1- and BRCA2-Associated Hereditary Breast and Ovarian Cancer; Hereditary breast and/or ovarian cancer syndrome. Identifiers: Orphanet 145, MedGen C0677776, MeSH D061325, MONDO:0003582. Disease mechanism: loss of function.

Submission:

Labcorp Genetics (formerly Invitae), Labcorp
Classification: Uncertain significance for Hereditary breast ovarian cancer syndrome. Last evaluated: 2023-11-03. Review status: criteria provided, single submitter. Criteria: Invitae Variant Classification Sherloc (09022015). Collection method: clinical testing. Allele origin: germline.
Comment: This sequence change replaces asparagine, which is neutral and polar, with aspartic acid, which is acidic and polar, at codon 615 of the BRCA2 protein (p.Asn615Asp). This variant is not present in population databases (gnomAD no frequency). This variant has not been reported in the literature in individuals affected with BRCA2-related conditions. Advanced modeling of protein sequence and biophysical properties (such as structural, functional, and spatial information, amino acid conservation, physicochemical variation, residue mobility, and thermodynamic stability) performed at Invitae indicates that this missense variant is not expected to disrupt BRCA2 protein function with a negative predictive value of 95%. In summary, the available evidence is currently insufficient to determine the role of this variant in disease. Therefore, it has been classified as a Variant of Uncertain Significance.

NM_000059.4(BRCA2):c.1843A>G (p.Asn615Asp)

Gene: BRCA2 (BRCA2 DNA repair associated; plus strand). Cytogenetic location: 13q13.1.
Variant type: single nucleotide variant.
Coding change: c.1843A>G on transcript NM_000059.4 (MANE Select); coding-DNA position 1843, A replaced by G.
Protein change: p.Asn615Asp; replaces asparagine 615 with aspartic acid.
Molecular consequence: missense variant. On other transcripts: non-coding transcript variant (1), intron variant (1).
Genome position (GRCh38, 1-based): chr13:32,333,321, A>G. VCF-style: chr13-32333321-A-G. GRCh37 (hg19) VCF-style: chr13-32907458-A-G.
Other names: c.1843A>G, p.Asn615Asp (NM_001406719.1, NM_001406720.1, NM_001406721.1); c.424+2291A>G (NM_001406722.1); short protein forms N615D.
Identifiers: ClinVar variation 2692985 (VCV002692985.3), dbSNP rs777641881, ClinGen allele CA387766305.